The following is an entry in ClinVar:

ClinVar aggregate classification (germline): Uncertain significance. Review status: criteria provided, multiple submitters, no conflicts (2 of 4 stars). 4 submissions from 4 submitters: Uncertain significance (4). Last evaluated 2025-03-31.

Conditions:
Fanconi anemia complementation group J. Also called: BRIP1-Related Fanconi Anemia. Identifiers: Orphanet 84, MedGen C1836860, MONDO:0012187, OMIM 609054.
Familial cancer of breast. Also called: BREAST CANCER, FAMILIAL; hereditary breast carcinoma; Hereditary breast cancer. Identifiers: Orphanet 227535, MedGen C0346153, MONDO:0016419, OMIM 114480. Disease mechanism: loss of function.
Hereditary cancer-predisposing syndrome. Also called: Tumor predisposition; Neoplastic Syndromes, Hereditary; Hereditary Cancer Syndrome; Hereditary neoplastic syndrome. Identifiers: Orphanet 140162, MedGen C0027672, MeSH D009386, MONDO:0015356.

Allele frequency attached by ClinVar (database versions not stated): gnomAD exomes below 0.00001 and 0.00001.
gnomAD v4.1: 10 of 1,613,522 alleles (0.00062%); highest among the groups gnomAD compares: African/African-American, 0.0013%; no homozygotes.

Submissions (4):

Color Diagnostics, LLC DBA Color Health
Classification: Uncertain significance for Hereditary cancer-predisposing syndrome. Last evaluated: 2025-03-31. Review status: criteria provided, single submitter. Criteria: ACMG Guidelines, 2015. Collection method: clinical testing. Allele origin: germline.
Comment: This missense variant replaces glutamine with lysine at codon 168 of the BRIP1 protein. Computational prediction suggests that this variant may not impact protein structure and function (internally defined REVEL score threshold <= 0.5, PMID: 27666373). To our knowledge, functional studies have not been reported for this variant. This variant has not been reported in individuals affected with BRIP1-related disorders in the literature. This variant has been identified in 1/251336 chromosomes in the general population by the Genome Aggregation Database (gnomAD). The available evidence is insufficient to determine the role of this variant in disease conclusively. Therefore, this variant is classified as a Variant of Uncertain Significance.

Labcorp Genetics (formerly Invitae), Labcorp
Classification: Uncertain significance for Familial cancer of breast; Fanconi anemia complementation group J. Last evaluated: 2024-12-02. Review status: criteria provided, single submitter. Criteria: Invitae Variant Classification Sherloc (09022015). Collection method: clinical testing. Allele origin: germline.
Comment: This sequence change replaces glutamine, which is neutral and polar, with lysine, which is basic and polar, at codon 168 of the BRIP1 protein (p.Gln168Lys). This variant is present in population databases (no rsID available, gnomAD 0.0009%). This variant has not been reported in the literature in individuals affected with BRIP1-related conditions. ClinVar contains an entry for this variant (Variation ID: 489839). Invitae Evidence Modeling of protein sequence and biophysical properties (such as structural, functional, and spatial information, amino acid conservation, physicochemical variation, residue mobility, and thermodynamic stability) indicates that this missense variant is not expected to disrupt BRIP1 protein function with a negative predictive value of 95%. In summary, the available evidence is currently insufficient to determine the role of this variant in disease. Therefore, it has been classified as a Variant of Uncertain Significance.

Baylor Genetics
Classification: Uncertain significance for Familial cancer of breast. Last evaluated: 2024-01-30. Review status: criteria provided, single submitter. Criteria: ACMG Guidelines, 2015. Collection method: clinical testing. Allele origin: unknown.

Ambry Genetics
Classification: Uncertain significance for Hereditary cancer-predisposing syndrome. Last evaluated: 2023-09-27. Review status: criteria provided, single submitter. Criteria: Ambry Variant Classification Scheme 2023. Collection method: clinical testing. Allele origin: germline.
Comment: The p.Q168K variant (also known as c.502C>A), located in coding exon 4 of the BRIP1 gene, results from a C to A substitution at nucleotide position 502. The glutamine at codon 168 is replaced by lysine, an amino acid with similar properties. This amino acid position is well conserved in available vertebrate species. In addition, this alteration is predicted to be tolerated by in silico analysis. Since supporting evidence is limited at this time, the clinical significance of this alteration remains unclear.

NM_032043.3(BRIP1):c.502C>A (p.Gln168Lys)

Gene: BRIP1 (BRCA1 interacting DNA helicase 1; minus strand). Cytogenetic location: 17q23.2.
Variant type: single nucleotide variant.
Coding change: c.502C>A on transcript NM_032043.3 (MANE Select); coding-DNA position 502, C replaced by A.
Protein change: p.Gln168Lys; replaces glutamine 168 with lysine.
Molecular consequence: missense variant.
Genome position (GRCh38, 1-based): chr17:61,849,134, G>T on the plus strand (C>A on the coding strand, the complement: BRIP1 is on the minus strand). VCF-style: chr17-61849134-G-T. GRCh37 (hg19) VCF-style: chr17-59926495-G-T.
Other names: short protein forms Q168K.
Identifiers: ClinVar variation 489839 (VCV000489839.19), dbSNP rs748211848, ClinGen allele CA292278245.
Genomic context (GRCh38, chr17:61,849,134, plus strand): 5'-TACCATGTTCAGCTGTAACTAACTGGGTTATTTACTGCCAATAAACTCTGTTTACCTGCT[G>T]TGTAGTTTCTAAGGGTCGAATTCTTTTCTTCTCTACTTGAAAATCATCATTTTCATCTCT-3'
Protein context (NP_114432.2, residues 158-178): KKRIRPLETT[Gln168Lys]QIRKRHCFGT